The following is an entry in ClinVar:

ClinVar aggregate classification (germline): Uncertain significance. Review status: criteria provided, multiple submitters, no conflicts (2 of 4 stars). 2 submissions from 2 submitters: Uncertain significance (2). Last evaluated 2025-04-16.

Conditions:
Nephronophthisis 12 (NPHP12). Identifiers: Orphanet 655, MedGen C3151186, MONDO:0013442, OMIM 613820.
Asphyxiating thoracic dystrophy 4 (SRTD4). Also called: SHORT-RIB THORACIC DYSPLASIA 4 WITH OR WITHOUT POLYDACTYLY; SHORT-RIB THORACIC DYSPLASIA 4. Identifiers: Orphanet 474, MedGen C3151185, MONDO:0013441, OMIM 613819.
TTC21B-related disorder. Also called: TTC21B-related disorders; TTC21B-related condition.

gnomAD v4.1: 6 of 1,613,498 alleles (0.00037%); highest among the groups gnomAD compares: African/African-American, 0.008%; no homozygotes.

Submissions (2):

PreventionGenetics, part of Exact Sciences
Classification: Uncertain significance for TTC21B-related condition. Last evaluated: 2025-04-16. Review status: criteria provided, single submitter. Criteria: ACMG Guidelines, 2015. Collection method: clinical testing. Allele origin: germline.
Comment: The TTC21B c.3192A>G variant is predicted to result in the amino acid substitution p.Ile1064Met. To our knowledge, this variant has not been reported in the literature. This variant is reported in 0.0062% of alleles in individuals of African descent in gnomAD. At this time, the clinical significance of this variant is uncertain due to the absence of conclusive functional and genetic evidence.

Fulgent Genetics
Classification: Uncertain significance for Asphyxiating thoracic dystrophy 4; Nephronophthisis 12. Last evaluated: 2024-01-31. Review status: criteria provided, single submitter. Criteria: ACMG Guidelines, 2015. Collection method: clinical testing. Allele origin: germline.

NM_024753.5(TTC21B):c.3192A>G (p.Ile1064Met)

Gene: TTC21B (tetratricopeptide repeat domain 21B; minus strand). Cytogenetic location: 2q24.3.
Variant type: single nucleotide variant.
Coding change: c.3192A>G on transcript NM_024753.5 (MANE Select); coding-DNA position 3192, A replaced by G.
Protein change: p.Ile1064Met; replaces isoleucine 1064 with methionine.
Molecular consequence: missense variant.
Genome position (GRCh38, 1-based): chr2:165,890,550, T>C on the plus strand (A>G on the coding strand, the complement: TTC21B is on the minus strand). VCF-style: chr2-165890550-T-C. GRCh37 (hg19) VCF-style: chr2-166747060-T-C.
Other names: c.3192A>G (NM_024753.4); short protein forms I1064M.
Identifiers: ClinVar variation 3584596 (VCV003584596.2).